The following is an entry in ClinVar:

ClinVar aggregate classification (germline): Conflicting classifications of pathogenicity. Review status: criteria provided, conflicting classifications (1 of 4 stars). 8 submissions from 8 submitters: Likely pathogenic (4); Uncertain significance (3). 1 of the submissions does not count toward it. Last evaluated 2026-02-17.

Conditions:
TUBB2A-related disorder. Also called: TUBB2A-related condition.
Complex cortical dysplasia with other brain malformations 5. Identifiers: MedGen C3810407, MONDO:0014337, OMIM 615763.
Seizure. Also called: Seizures. Identifiers: MedGen C0036572, HP:0001250.

Submissions (8):

PreventionGenetics, part of Exact Sciences
Classification: Uncertain significance for TUBB2A-related condition. Last evaluated: 2026-02-17. Review status: criteria provided, single submitter. Criteria: ACMG Guidelines, 2015. Collection method: clinical testing. Allele origin: germline.
Comment: The TUBB2A c.872A>C variant is predicted to result in the amino acid substitution p.Gln291Pro. This variant has been reported to occurred de novo in an individual with developmental delay, short stature, seizures, ureteropelvic junction obstruction, constipation, hydronephrosis, clinodactyly, growth hormone deficiency, and Russell Silver syndrome (Lee et al. 2014. PubMed ID: 25326637, eTable 2). This variant has also been reported in a presumably unaffected gamete donor in a large carrier screening study (Capalbo A et al. 2019. PubMed ID: 31589614, supplemental table S1). This variant has not been reported in a large population database, indicating it is rare. Although we suspect this variant may be pathogenic, at this time the clinical significance is uncertain due to the absence of conclusive functional and genetic evidence.

GeneDx
Classification: Likely pathogenic. Last evaluated: 2025-05-30. Review status: criteria provided, single submitter. Criteria: GeneDx Variant Classification Process June 2021. Collection method: clinical testing. Allele origin: germline. Affected: yes.
Comment: Not observed at significant frequency in large population cohorts (gnomAD); In silico analysis supports that this missense variant has a deleterious effect on protein structure/function; This variant is associated with the following publications: (PMID: 28840640, 32203252, 31589614, 25326637)

Institute of Human Genetics, Clinical Exome/Genome Diagnostics Group, University Hospital Bonn
Classification: Uncertain significance for Complex cortical dysplasia with other brain malformations 5. Last evaluated: 2024-10-25. Review status: criteria provided, single submitter. Criteria: ACMG Guidelines, 2015. Collection method: clinical testing. Allele origin: germline.

Blueprint Genetics
Classification: Likely pathogenic for TUBB2A-related disorders. Last evaluated: 2024-07-18. Review status: criteria provided, single submitter. Criteria: ACMG Guidelines, 2015. Collection method: clinical testing. Allele origin: de novo. Affected: yes. Observed: 2 variant alleles.

Labcorp Genetics (formerly Invitae), Labcorp
Classification: Uncertain significance. Last evaluated: 2024-03-04. Review status: criteria provided, single submitter. Criteria: Invitae Variant Classification Sherloc (09022015). Collection method: clinical testing. Allele origin: germline.
Comment: This sequence change replaces glutamine, which is neutral and polar, with proline, which is neutral and non-polar, at codon 291 of the TUBB2A protein (p.Gln291Pro). This variant is not present in population databases (gnomAD no frequency). This missense change has been observed in individual(s) with TUBB2A-related conditions (PMID: 25326637). ClinVar contains an entry for this variant (Variation ID: 217024). Advanced modeling of protein sequence and biophysical properties (such as structural, functional, and spatial information, amino acid conservation, physicochemical variation, residue mobility, and thermodynamic stability) performed at Invitae indicates that this missense variant is expected to disrupt TUBB2A protein function with a positive predictive value of 80%. In summary, the available evidence is currently insufficient to determine the role of this variant in disease. Therefore, it has been classified as a Variant of Uncertain Significance.

Laboratorio de Genetica e Diagnostico Molecular, Hospital Israelita Albert Einstein
Classification: Likely pathogenic for Complex cortical dysplasia with other brain malformations 5. Last evaluated: 2022-02-10. Review status: criteria provided, single submitter. Criteria: ACMG Guidelines, 2015. Collection method: clinical testing. Allele origin: germline. Affected: yes.
Comment: ACMG classification criteria: PS4 supporting, PM2 moderate, PM6, PP3 supporting

UCLA Clinical Genomics Center, UCLA
Classification: Likely pathogenic for Cortical dysplasia, complex, with other brain malformations 5. Last evaluated: 2014-01-28. Review status: criteria provided, single submitter. Criteria: Lee et al. (JAMA. 2014). Collection method: clinical testing. Allele origin: de novo. Inheritance: Autosomal dominant inheritance. Affected: yes. Study: CES.

Diagnostic Laboratory, Strasbourg University Hospital
Classification: Uncertain significance for Seizure. Review status: no assertion criteria provided. Collection method: clinical testing. Allele origin: de novo. Affected: yes. Observed: 1 heterozygote. Not counted in ClinVar's aggregate classification.

Literature cited by the submitters: PubMed 25326637 (cited by Labcorp Genetics (formerly Invitae), Labcorp).

NM_001069.3(TUBB2A):c.872A>C (p.Gln291Pro)

Gene: TUBB2A (tubulin beta 2A class IIa; minus strand). Cytogenetic location: 6p25.2.
Variant type: single nucleotide variant.
Coding change: c.872A>C on transcript NM_001069.3 (MANE Select); coding-DNA position 872, A replaced by C.
Protein change: p.Gln291Pro; replaces glutamine 291 with proline.
Molecular consequence: missense variant.
Genome position (GRCh38, 1-based): chr6:3,154,329, T>G on the plus strand (A>C on the coding strand, the complement: TUBB2A is on the minus strand). VCF-style: chr6-3154329-T-G. GRCh37 (hg19) VCF-style: chr6-3154563-T-G.
Other names: c.617A>C, p.Gln206Pro (NM_001310315.2); short protein forms Q291P, Q206P.
Identifiers: ClinVar variation 217024 (VCV000217024.18), dbSNP rs863224939, ClinGen allele CA278933.